The following is an entry in ClinVar:

ClinVar aggregate classification (germline): Likely pathogenic (0 of 4 stars; one submission).

Conditions:
Primary dilated cardiomyopathy (DCM). Also called: Dilated Cardiomyopathy. Identifiers: Orphanet 217604, MedGen C0007193, MeSH D002311, MONDO:0005021, HP:0001644. Inheritance: Various modes of inheritance.

Submission:

Laboratory for Molecular Medicine, Mass General Brigham Personalized Medicine
Classification: Likely pathogenic for Primary dilated cardiomyopathy. Last evaluated: 2013-01-23. Review status: no assertion criteria provided. Collection method: clinical testing. Allele origin: germline. Observed: 1 variant allele.
Comment: proposed classification - variant undergoing re-assessment, contact laboratory

NM_001018005.2(TPM1):c.416A>T (p.Glu139Val)

Gene: TPM1 (tropomyosin 1; plus strand). Cytogenetic location: 15q22.2.
Variant type: single nucleotide variant.
Coding change: c.416A>T on transcript NM_001018005.2 (MANE Select); coding-DNA position 416, A replaced by T.
Protein change: p.Glu139Val; replaces glutamic acid 139 with valine.
Molecular consequence: missense variant.
Genome position (GRCh38, 1-based): chr15:63,059,604, A>T. VCF-style: chr15-63059604-A-T. GRCh37 (hg19) VCF-style: chr15-63351803-A-T.
Other names: c.416A>T, p.Glu139Val (NM_000366.6, NM_001018004.2, NM_001018006.2 and 6 more transcripts); c.308A>T, p.Glu103Val (NM_001018008.2, NM_001301289.2, NM_001330344.2 and 5 more transcripts); c.542A>T, p.Glu181Val (NM_001365778.1); short protein forms E139V, E103V, E181V.
Identifiers: ClinVar variation 177896 (VCV000177896.5), dbSNP rs727504389, ClinGen allele CA018021.